The following is an entry in ClinVar:

ClinVar aggregate classification (germline): Likely benign (1 of 4 stars; one submission).

Conditions:
EPPK1-related disorder. Also called: EPPK1-related condition.

gnomAD v4.1: 8 of 1,613,732 alleles (0.0005%); highest among the groups gnomAD compares: South Asian, 0.0033%; no homozygotes.

Submission:

PreventionGenetics, part of Exact Sciences
Classification: Likely benign for EPPK1-related condition. Last evaluated: 2026-06-18. Review status: criteria provided, single submitter. Criteria: ACMG Guidelines, 2015. Collection method: clinical testing. Allele origin: germline.
Comment: This variant is classified as likely benign based on ACMG/AMP sequence variant interpretation guidelines (Richards et al. 2015 PMID: 25741868, with internal and published modifications).

NM_031308.4(EPPK1):c.5499G>A (p.Thr1833=)

Gene: EPPK1 (epiplakin 1; minus strand). Cytogenetic location: 8q24.3.
Variant type: single nucleotide variant.
Coding change: c.5499G>A on transcript NM_031308.4 (MANE Select); coding-DNA position 5499, G replaced by A.
Protein change: p.Thr1833=; no amino-acid change (threonine 1833 retained).
Molecular consequence: synonymous variant.
Genome position (GRCh38, 1-based): chr8:143,867,755, C>T on the plus strand (G>A on the coding strand, the complement: EPPK1 is on the minus strand). VCF-style: chr8-143867755-C-T. GRCh37 (hg19) VCF-style: chr8-144941923-C-T.
Identifiers: ClinVar variation 4986465 (VCV004986465.1).
Genomic context (GRCh38, chr8:143,867,755, plus strand): 5'-CTCCCCTCTGATGGCCGCCACTTTGATGCCTTGGTTTTGCGTCTCTGTTTCTTCAATTGT[C>T]GTGGTGATGATTTCCAGCAATTTCTCCAGGCCCCCACTCTGGGCTCCATACTCCTGGATG-3'
Protein context (NP_112598.3, residues 1823-1843): GLEKLLEIIT[Thr1833=]TIEETETQNQ